The following is an entry in ClinVar:

ClinVar aggregate classification (germline): Likely benign (1 of 4 stars; one submission).

Allele frequency attached by ClinVar (database versions not stated): gnomAD exomes below 0.00001 and 0.00001; TOPMed below 0.00001; ExAC 0.00002; gnomAD 0.00002.
gnomAD v4.1: 5 of 1,613,866 alleles (0.00031%); highest among the groups gnomAD compares: African/African-American, 0.0067%; no homozygotes.

Submission:

GeneDx
Classification: Likely benign. Last evaluated: 2018-03-15. Review status: criteria provided, single submitter. Criteria: GeneDx Variant Classification (06012015). Collection method: clinical testing. Allele origin: germline. Affected: yes.
Comment: This variant is considered likely benign or benign based on one or more of the following criteria: it is a conservative change, it occurs at a poorly conserved position in the protein, it is predicted to be benign by multiple in silico algorithms, and/or has population frequency not consistent with disease.

NM_021939.4(FKBP10):c.582-11A>G

Gene: FKBP10 (FKBP prolyl isomerase 10; plus strand). Cytogenetic location: 17q21.2.
Variant type: single nucleotide variant.
Coding change: c.582-11A>G on transcript NM_021939.4 (MANE Select); 11 bases into the intron before coding-DNA position 582, A replaced by G.
Molecular consequence: intron variant.
Genome position (GRCh38, 1-based): chr17:41,818,371, A>G. VCF-style: chr17-41818371-A-G. GRCh37 (hg19) VCF-style: chr17-39974623-A-G.
Identifiers: ClinVar variation 680922 (VCV000680922.1), dbSNP rs782545047, ClinGen allele CA8566302.